The following is an entry in ClinVar:

ClinVar aggregate classification (germline): Uncertain significance. Review status: criteria provided, multiple submitters, no conflicts (2 of 4 stars). 2 submissions from 2 submitters: Uncertain significance (2). Last evaluated 2022-07-23.

Conditions:
Brugada syndrome. Also called: Sudden unexplained nocturnal death syndrome; Sudden Unexplained Death Syndrome; Sudden Unexplained Nocturnal Death Syndrome (SUNDS); Sudden unexpected nocturnal death syndrome. Identifiers: Orphanet 130, MedGen C1142166, MONDO:0015263.

gnomAD v4.1: 1 of 1,613,838 alleles (0.000062%); highest among the groups gnomAD compares: Non-Finnish European, 0.000085%; no homozygotes.

Submissions (2):

Labcorp Genetics (formerly Invitae), Labcorp
Classification: Uncertain significance for Brugada syndrome. Last evaluated: 2022-07-23. Review status: criteria provided, single submitter. Criteria: Invitae Variant Classification Sherloc (09022015). Collection method: clinical testing. Allele origin: germline.
Comment: Algorithms developed to predict the effect of missense changes on protein structure and function are either unavailable or do not agree on the potential impact of this missense change (SIFT: "Deleterious"; PolyPhen-2: "Probably Damaging"; Align-GVGD: "Class C0"). In summary, the available evidence is currently insufficient to determine the role of this variant in disease. Therefore, it has been classified as a Variant of Uncertain Significance. ClinVar contains an entry for this variant (Variation ID: 439763). This sequence change replaces isoleucine, which is neutral and non-polar, with methionine, which is neutral and non-polar, at codon 208 of the GPD1L protein (p.Ile208Met). This variant is not present in population databases (gnomAD no frequency). This variant has not been reported in the literature in individuals affected with GPD1L-related conditions.

ARUP Laboratories, Molecular Genetics and Genomics, ARUP Laboratories
Classification: Uncertain significance. Last evaluated: 2016-09-14. Review status: criteria provided, single submitter. Criteria: ARUP Molecular Germline Variant Investigation Process. Collection method: clinical testing. Allele origin: germline.

NM_015141.4(GPD1L):c.624C>G (p.Ile208Met)

Gene: GPD1L (glycerol-3-phosphate dehydrogenase 1 like; plus strand). Cytogenetic location: 3p22.3.
Variant type: single nucleotide variant.
Coding change: c.624C>G on transcript NM_015141.4 (MANE Select); coding-DNA position 624, C replaced by G.
Protein change: p.Ile208Met; replaces isoleucine 208 with methionine.
Molecular consequence: missense variant.
Genome position (GRCh38, 1-based): chr3:32,158,881, C>G. VCF-style: chr3-32158881-C-G. GRCh37 (hg19) VCF-style: chr3-32200373-C-G.
Other names: short protein forms I208M.
Identifiers: ClinVar variation 439763 (VCV000439763.12), dbSNP rs267599768, ClinGen allele CA351968862.